The following is an entry in ClinVar:

NM_001303512.2(PDZD4):c.363C>T (p.Gly121=)

Gene: PDZD4 (PDZ domain containing 4; minus strand). Cytogenetic location: Xq28.
Variant type: single nucleotide variant.
Coding change: c.363C>T on transcript NM_001303512.2 (MANE Select); coding-DNA position 363, C replaced by T.
Protein change: p.Gly121=; no amino-acid change (glycine 121 retained).
Molecular consequence: synonymous variant. On other transcripts: intron variant (1).
Genome position (GRCh38, 1-based): chrX:153,807,321, G>A on the plus strand (C>T on the coding strand, the complement: PDZD4 is on the minus strand). VCF-style: chrX-153807321-G-A. GRCh37 (hg19) VCF-style: chrX-153072776-G-A.
Other names: c.57C>T, p.Gly19= (NM_001303513.3); c.120C>T, p.Gly40= (NM_001303515.2); c.102C>T, p.Gly34= (NM_001303516.2); c.345C>T, p.Gly115= (NM_032512.5); c.61-481C>T (NM_001303514.2).
Identifiers: ClinVar variation 2661737 (VCV002661737.24), dbSNP rs374363892, ClinGen allele CA10553749.

ClinVar aggregate classification (germline): Likely benign (1 of 4 stars; one submission).

Allele frequency attached by ClinVar (database versions not stated): ESP Exome Variant Server 0.00038; TOPMed 0.00019; gnomAD 0.00022; ExAC 0.00023; gnomAD exomes 0.00028.

Submission:

CeGaT Center for Human Genetics Tuebingen
Classification: Likely benign. Last evaluated: 2023-04-01. Review status: criteria provided, single submitter. Criteria: CeGaT Center For Human Genetics Tuebingen Variant Classification Criteria Version 2. Collection method: clinical testing. Allele origin: germline. Affected: yes. Observed: 1 variant allele.
Comment: PDZD4: BP4, BS2